The following is an entry in ClinVar:

ClinVar aggregate classification (germline): Uncertain significance (1 of 4 stars; one submission).

Conditions:
Alzheimer disease 4 (AD4). Identifiers: Orphanet 1020, MedGen C1847200, MONDO:0011743, OMIM 606889.

Submission:

Labcorp Genetics (formerly Invitae), Labcorp
Classification: Uncertain significance for Alzheimer disease 4. Last evaluated: 2021-08-30. Review status: criteria provided, single submitter. Criteria: Invitae Variant Classification Sherloc (09022015). Collection method: clinical testing. Allele origin: germline.
Comment: In summary, the available evidence is currently insufficient to determine the role of this variant in disease. Therefore, it has been classified as a Variant of Uncertain Significance. Experimental studies and prediction algorithms are not available or were not evaluated, and the functional significance of this variant is currently unknown. This variant has not been reported in the literature in individuals affected with PSEN2-related conditions. The frequency data for this variant in the population databases is not available, as this variant may be reported as separate entries in the ExAC database. This sequence change replaces proline with threonine at codon 28 of the PSEN2 protein (p.Pro28Thr). The proline residue is weakly conserved and there is a small physicochemical difference between proline and threonine.

NM_000447.3(PSEN2):c.81_82delinsAA (p.Pro28Thr)

Gene: PSEN2 (presenilin 2; plus strand). Cytogenetic location: 1q42.13.
Variant type: Indel.
Coding change: c.81_82delinsAA on transcript NM_000447.3 (MANE Select); coding-DNA positions 81 to 82, GC replaced by AA.
Protein change: p.Pro28Thr; replaces proline 28 with threonine.
Molecular consequence: missense variant.
Genome position (GRCh38, 1-based): chr1:226,881,988-226,881,989, GC replaced by AA. VCF-style: chr1-226881988-GC-AA. GRCh37 (hg19) VCF-style: chr1-227069689-GC-AA.
Other names: c.81_82delinsAA, p.Pro28Thr (NM_012486.3); short protein forms P28T.
Identifiers: ClinVar variation 1413607 (VCV001413607.6), dbSNP rs2102668085, ClinGen allele CA2573132780.